The following is an entry in ClinVar:

NM_003982.4(SLC7A7):c.999-1G>T

Gene: SLC7A7 (solute carrier family 7 member 7; minus strand). Cytogenetic location: 14q11.2.
Variant type: single nucleotide variant.
Coding change: c.999-1G>T on transcript NM_003982.4 (MANE Select); the canonical splice acceptor site of the intron before coding-DNA position 999, G replaced by T.
Molecular consequence: splice acceptor variant.
Genome position (GRCh38, 1-based): chr14:22,775,541, C>A on the plus strand (G>T on the coding strand, the complement: SLC7A7 is on the minus strand). VCF-style: chr14-22775541-C-A. GRCh37 (hg19) VCF-style: chr14-23244750-C-A.
Other names: c.999-1G>T (NM_001126106.4, NM_001126105.3).
Identifiers: ClinVar variation 2635100 (VCV002635100.2), dbSNP rs2501842561, ClinGen allele CA388923225.

ClinVar aggregate classification (germline): Likely pathogenic. Review status: criteria provided, multiple submitters, no conflicts (2 of 4 stars). 2 submissions from 2 submitters: Likely pathogenic (2). Last evaluated 2025-06-30.

Conditions:
SLC7A7-related disorder. Also called: SLC7A7-related condition.
Lysinuric protein intolerance (LPI). Identifiers: Orphanet 470, MedGen C0268647, MONDO:0009109, OMIM 222700.

Submissions (2):

Labcorp Genetics (formerly Invitae), Labcorp
Classification: Likely pathogenic for Lysinuric protein intolerance. Last evaluated: 2025-06-30. Review status: criteria provided, single submitter. Criteria: Invitae Variant Classification Sherloc (09022015). Collection method: clinical testing. Allele origin: germline.
Comment: This sequence change affects an acceptor splice site in intron 7 of the SLC7A7 gene. It is expected to disrupt RNA splicing. Variants that disrupt the donor or acceptor splice site typically lead to a loss of protein function (PMID: 16199547), and loss-of-function variants in SLC7A7 are known to be pathogenic (PMID: 10631139, 17764084). This variant is not present in population databases (gnomAD no frequency). This variant has not been reported in the literature in individuals affected with SLC7A7-related conditions. ClinVar contains an entry for this variant (Variation ID: 2635100). Algorithms developed to predict the effect of sequence changes on RNA splicing suggest that this variant may disrupt the consensus splice site. In summary, the currently available evidence indicates that the variant is pathogenic, but additional data are needed to prove that conclusively. Therefore, this variant has been classified as Likely Pathogenic.

PreventionGenetics, part of Exact Sciences
Classification: Likely pathogenic for SLC7A7-related condition. Last evaluated: 2022-11-28. Review status: criteria provided, single submitter. Criteria: ACMG Guidelines, 2015. Collection method: clinical testing. Allele origin: germline.
Comment: The SLC7A7 c.999-1G>T variant is predicted to disrupt the AG splice acceptor site and interfere with normal splicing. To our knowledge, this variant has not been reported in the literature or in a large population database, indicating this variant is rare. Variants that disrupt the consensus splice acceptor site in SLC7A7 are expected to be pathogenic. This variant is interpreted as likely pathogenic.

Literature cited by the submitters: PubMed 16199547 (cited by Labcorp Genetics (formerly Invitae), Labcorp); PubMed 10631139 (cited by Labcorp Genetics (formerly Invitae), Labcorp); PubMed 17764084 (cited by Labcorp Genetics (formerly Invitae), Labcorp).